The following is an entry in ClinVar:

ClinVar aggregate classification (germline): Uncertain significance. Review status: criteria provided, multiple submitters, no conflicts (2 of 4 stars). 2 submissions from 2 submitters: Uncertain significance (2). Last evaluated 2024-03-07.

Conditions:
Inborn genetic diseases. Identifiers: MedGen C0950123, MeSH D030342.

Allele frequency attached by ClinVar (database versions not stated): gnomAD exomes 0.00001.
gnomAD v4.1: 3 of 1,613,684 alleles (0.00019%); highest among the groups gnomAD compares: Admixed American, 0.0033%; no homozygotes.

Submissions (2):

Ambry Genetics
Classification: Uncertain significance for Inborn genetic diseases. Last evaluated: 2024-03-07. Review status: criteria provided, single submitter. Criteria: Ambry Variant Classification Scheme 2023. Collection method: clinical testing. Allele origin: germline.

Labcorp Genetics (formerly Invitae), Labcorp
Classification: Uncertain significance. Last evaluated: 2022-06-13. Review status: criteria provided, single submitter. Criteria: Invitae Variant Classification Sherloc (09022015). Collection method: clinical testing. Allele origin: germline.
Comment: In summary, the available evidence is currently insufficient to determine the role of this variant in disease. Therefore, it has been classified as a Variant of Uncertain Significance. Algorithms developed to predict the effect of missense changes on protein structure and function output the following: SIFT: "Tolerated"; PolyPhen-2: "Benign"; Align-GVGD: "Class C0". The valine amino acid residue is found in multiple mammalian species, which suggests that this missense change does not adversely affect protein function. This variant has not been reported in the literature in individuals affected with RTTN-related conditions. This variant is not present in population databases (gnomAD no frequency). This sequence change replaces methionine, which is neutral and non-polar, with valine, which is neutral and non-polar, at codon 261 of the RTTN protein (p.Met261Val).

NM_173630.4(RTTN):c.781A>G (p.Met261Val)

Gene: RTTN (rotatin; minus strand). Cytogenetic location: 18q22.2.
Variant type: single nucleotide variant.
Coding change: c.781A>G on transcript NM_173630.4 (MANE Select); coding-DNA position 781, A replaced by G.
Protein change: p.Met261Val; replaces methionine 261 with valine.
Molecular consequence: missense variant. On other transcripts: 5 prime UTR variant (1).
Genome position (GRCh38, 1-based): chr18:70,196,561, T>C on the plus strand (A>G on the coding strand, the complement: RTTN is on the minus strand). VCF-style: chr18-70196561-T-C. GRCh37 (hg19) VCF-style: chr18-67863797-T-C.
Other names: c.-1773A>G (NM_001318520.2); c.781A>G (NM_173630.3); short protein forms M261V.
Identifiers: ClinVar variation 1909221 (VCV001909221.5), dbSNP rs2513031683, ClinGen allele CA402699853.